The following is an entry in ClinVar:

ClinVar aggregate classification (germline): Uncertain significance (1 of 4 stars; one submission).

Allele frequency attached by ClinVar (database versions not stated): gnomAD exomes below 0.00001.

Submission:

Laboratorio de Genetica e Diagnostico Molecular, Hospital Israelita Albert Einstein
Classification: Uncertain significance. Last evaluated: 2021-10-15. Review status: criteria provided, single submitter. Criteria: ACMG Guidelines, 2015. Collection method: clinical testing. Allele origin: germline. Affected: yes.
Comment: ACMG classification criteria: PM2, BP4

NM_014467.3(SRPX2):c.359T>C (p.Met120Thr)

Gene: SRPX2 (sushi repeat containing protein X-linked 2; plus strand). Cytogenetic location: Xq22.1.
Variant type: single nucleotide variant.
Coding change: c.359T>C on transcript NM_014467.3 (MANE Select); coding-DNA position 359, T replaced by C.
Protein change: p.Met120Thr; replaces methionine 120 with threonine.
Molecular consequence: missense variant.
Genome position (GRCh38, 1-based): chrX:100,664,777, T>C. VCF-style: chrX-100664777-T-C. GRCh37 (hg19) VCF-style: chrX-99919774-T-C.
Other names: short protein forms M120T.
Identifiers: ClinVar variation 1690468 (VCV001690468.2), dbSNP rs2083198790, ClinGen allele CA413931761.